The following is an entry in ClinVar:

ClinVar aggregate classification (germline): Pathogenic (0 of 4 stars; one submission).

Submission:

GenMed Metabolism Lab
Classification: Pathogenic. Review status: no assertion criteria provided. Collection method: not provided. Allele origin: unknown.
ClinVar note: Converted during submission from pathogenic to Pathogenic.

NM_000531.6(OTC):c.947T>C (p.Phe316Ser)

Gene: OTC (ornithine transcarbamylase; plus strand). Cytogenetic location: Xp11.4.
Variant type: single nucleotide variant.
Coding change: c.947T>C on transcript NM_000531.6 (MANE Select); coding-DNA position 947, T replaced by C.
Protein change: p.Phe316Ser; replaces phenylalanine 316 with serine.
Molecular consequence: missense variant.
Genome position (GRCh38, 1-based): chrX:38,411,941, T>C. VCF-style: chrX-38411941-T-C. GRCh37 (hg19) VCF-style: chrX-38271194-T-C.
Other names: short protein forms F316S.
Identifiers: ClinVar variation 97368 (VCV000097368.2), dbSNP rs72558471, ClinGen allele CA224852.